The following is an entry in ClinVar:

NM_001354587.1(ANKRD36):c.2173-3A>C

Gene: ANKRD36 (ankyrin repeat domain 36; plus strand). Cytogenetic location: 2q11.2.
Variant type: single nucleotide variant.
Coding change: c.2173-3A>C on transcript NM_001354587.1 (MANE Select); 3 bases into the intron before coding-DNA position 2173, A replaced by C.
Molecular consequence: intron variant.
Genome position (GRCh38, 1-based): chr2:97,189,215, A>C. VCF-style: chr2-97189215-A-C. GRCh37 (hg19) VCF-style: chr2-97854952-A-C.
Identifiers: ClinVar variation 2651163 (VCV002651163.24), dbSNP rs113372597, ClinGen allele CA1787371.

ClinVar aggregate classification (germline): Likely benign (1 of 4 stars; one submission).

Allele frequency attached by ClinVar (database versions not stated): ExAC 0.00057; 1000 Genomes Project 0.00080; gnomAD exomes 0.00115; gnomAD 0.00128; 1000 Genomes Project 30x 0.00219.
gnomAD v4.1: 909 of 755,310 alleles (0.12%); highest among the groups gnomAD compares: Middle Eastern, 2.5%; 349 homozygotes.

Submission:

CeGaT Center for Human Genetics Tuebingen
Classification: Likely benign. Last evaluated: 2023-07-01. Review status: criteria provided, single submitter. Criteria: CeGaT Center For Human Genetics Tuebingen Variant Classification Criteria Version 2. Collection method: clinical testing. Allele origin: germline. Affected: yes. Observed: 1 variant allele.
Comment: ANKRD36: BP4, BS2